The following is an entry in ClinVar:

NM_004035.7(ACOX1):c.1369G>A (p.Asp457Asn)

Gene: ACOX1 (acyl-CoA oxidase 1; minus strand). Cytogenetic location: 17q25.1.
Variant type: single nucleotide variant.
Coding change: c.1369G>A on transcript NM_004035.7 (MANE Select); coding-DNA position 1369, G replaced by A.
Protein change: p.Asp457Asn; replaces aspartic acid 457 with asparagine.
Molecular consequence: missense variant.
Genome position (GRCh38, 1-based): chr17:75,949,827, C>T on the plus strand (G>A on the coding strand, the complement: ACOX1 is on the minus strand). VCF-style: chr17-75949827-C-T. GRCh37 (hg19) VCF-style: chr17-73945908-C-T.
Other names: c.1255G>A, p.Asp419Asn (NM_001185039.2); c.1369G>A, p.Asp457Asn (NM_007292.6); short protein forms D419N, D457N.
Identifiers: ClinVar variation 4687438 (VCV004687438.1).

ClinVar aggregate classification (germline): Uncertain significance (1 of 4 stars; one submission).

gnomAD v4.1: 45 of 1,614,078 alleles (0.0028%); highest among the groups gnomAD compares: Non-Finnish European, 0.0034%; no homozygotes.

Submission:

Women's Health and Genetics/Laboratory Corporation of America, LabCorp
Classification: Uncertain significance. Last evaluated: 2025-10-08. Review status: criteria provided, single submitter. Criteria: LabCorp Variant Classification Summary - May 2015. Collection method: clinical testing. Allele origin: germline.
Comment: Variant summary: ACOX1 c.1369G>A (p.Asp457Asn) results in a conservative amino acid change in the encoded protein sequence. Algorithms developed to predict the effect of missense changes on protein structure and function are either unavailable or do not agree on the potential impact of this missense change. The variant allele was found at a frequency of 3.6e-05 in 251428 control chromosomes. The available data on variant occurrences in the general population are insufficient to allow any conclusion about variant significance. To our knowledge, no occurrence of c.1369G>A in individuals affected with ACOX1-related conditions and no experimental evidence demonstrating its impact on protein function have been reported. No submitters have cited clinical-significance assessments for this variant to ClinVar. Based on the evidence outlined above, the variant was classified as uncertain significance.